The following is an entry in ClinVar:

NM_001378414.1(HDAC4):c.974C>T (p.Ala325Val)

Gene: HDAC4 (histone deacetylase 4; minus strand). Cytogenetic location: 2q37.3.
Variant type: single nucleotide variant.
Coding change: c.974C>T on transcript NM_001378414.1 (MANE Select); coding-DNA position 974, C replaced by T.
Protein change: p.Ala325Val; replaces alanine 325 with valine.
Molecular consequence: missense variant.
Genome position (GRCh38, 1-based): chr2:239,139,688, G>A on the plus strand (C>T on the coding strand, the complement: HDAC4 is on the minus strand). VCF-style: chr2-239139688-G-A. GRCh37 (hg19) VCF-style: chr2-240061384-G-A.
Other names: c.974C>T, p.Ala325Val (NM_001378415.1, NM_001378416.1, NM_001378417.1 and 1 more transcripts); c.974C>T (NM_006037.3); short protein forms A325V.
Identifiers: ClinVar variation 3026227 (VCV003026227.22), dbSNP rs764965739, ClinGen allele CA2199987.
Genomic context (GRCh38, chr2:239,139,688, plus strand): 5'-ATCCGTCCCGAGTCCGACTCTAGCCGTAGGACACAGGACAAACGCTTCGCACTGACCTCC[G>A]CCGGGATGCTGGGGACGGCGGGCGCGATACCGTTCTCCGCGCTGACGCTCCCGGAGCTGT-3'
Protein context (NP_001365343.1, residues 315-335): GIAPAVPSIP[Ala325Val]ETSLAHRLVA

ClinVar aggregate classification (germline): Likely benign. Review status: criteria provided, multiple submitters, no conflicts (2 of 4 stars). 2 submissions from 2 submitters: Likely benign (2). Last evaluated 2026-06-01.

Conditions:
Inborn genetic diseases. Identifiers: MedGen C0950123, MeSH D030342.

Allele frequency attached by ClinVar (database versions not stated): gnomAD exomes 0.00001; TOPMed 0.00001; ExAC 0.00004.

Submissions (2):

CeGaT Center for Human Genetics Tuebingen
Classification: Likely benign. Last evaluated: 2026-06-01. Review status: criteria provided, single submitter. Criteria: CeGaT Center For Human Genetics Tuebingen Variant Classification Criteria Version 2. Collection method: clinical testing. Allele origin: germline. Affected: yes. Observed: 2 variant alleles.
Comment: HDAC4: BP4

Ambry Genetics
Classification: Likely benign for Inborn genetic diseases. Last evaluated: 2025-10-02. Review status: criteria provided, single submitter. Criteria: Ambry Variant Classification Scheme 2023. Collection method: clinical testing. Allele origin: germline.